The following is an entry in ClinVar:

ClinVar aggregate classification (germline): Likely benign. Review status: criteria provided, multiple submitters, no conflicts (2 of 4 stars). 3 submissions from 3 submitters: Likely benign (3). Last evaluated 2025-11-04.

Conditions:
NBAS-related disorder. Also called: NBAS-related condition.

Allele frequency attached by ClinVar (database versions not stated): gnomAD exomes 0.00004 and 0.00007; TOPMed 0.00004; ExAC 0.00007; gnomAD 0.00008 and 0.00009; ESP Exome Variant Server 0.00015.
gnomAD v4.1: 110 of 1,613,940 alleles (0.0068%); highest among the groups gnomAD compares: Non-Finnish European, 0.0092%; 1 homozygote.

Submissions (3):

PreventionGenetics, part of Exact Sciences
Classification: Likely benign for NBAS-related condition. Last evaluated: 2025-11-04. Review status: criteria provided, single submitter. Criteria: ACMG Guidelines, 2015. Collection method: clinical testing. Allele origin: germline.
Comment: This variant is classified as likely benign based on ACMG/AMP sequence variant interpretation guidelines (Richards et al. 2015 PMID: 25741868, with internal and published modifications).

Labcorp Genetics (formerly Invitae), Labcorp
Classification: Likely benign. Last evaluated: 2025-09-10. Review status: criteria provided, single submitter. Criteria: Invitae Variant Classification Sherloc (09022015). Collection method: clinical testing. Allele origin: germline.

CeGaT Center for Human Genetics Tuebingen
Classification: Likely benign. Last evaluated: 2024-04-01. Review status: criteria provided, single submitter. Criteria: CeGaT Center For Human Genetics Tuebingen Variant Classification Criteria Version 2. Collection method: clinical testing. Allele origin: germline. Affected: yes. Observed: 2 variant alleles.
Comment: NBAS: BP4, BP7

NM_015909.4(NBAS):c.4302T>C (p.Asp1434=)

Gene: NBAS (NBAS subunit of NRZ tethering complex; minus strand). Cytogenetic location: 2p24.3.
Variant type: single nucleotide variant.
Coding change: c.4302T>C on transcript NM_015909.4 (MANE Select); coding-DNA position 4302, T replaced by C.
Protein change: p.Asp1434=; no amino-acid change (aspartic acid 1434 retained).
Molecular consequence: synonymous variant. On other transcripts: non-coding transcript variant (1).
Genome position (GRCh38, 1-based): chr2:15,330,643, A>G on the plus strand (T>C on the coding strand, the complement: NBAS is on the minus strand). VCF-style: chr2-15330643-A-G. GRCh37 (hg19) VCF-style: chr2-15470767-A-G.
Other names: c.4302T>C (NM_015909.3).
Identifiers: ClinVar variation 808666 (VCV000808666.48), dbSNP rs371633490, ClinGen allele CA1535709.